The following is an entry in ClinVar:

ClinVar aggregate classification (germline): Uncertain significance (1 of 4 stars; one submission).

Conditions:
Deficiency of butyryl-CoA dehydrogenase (ACADSD). Also called: SCAD DEFICIENCY, MILD; ACYL-CoA DEHYDROGENASE, SHORT-CHAIN, DEFICIENCY OF; ACADS DEFICIENCY; Short-Chain Acyl-CoA Dehydrogenase Deficiency; SCADH DEFICIENCY; SCAD Deficiency. Identifiers: Orphanet 26792, MedGen C0342783, MONDO:0008722, OMIM 201470. Disease mechanism: May be benign.

Submission:

Labcorp Genetics (formerly Invitae), Labcorp
Classification: Uncertain significance for Deficiency of butyryl-CoA dehydrogenase. Last evaluated: 2025-03-02. Review status: criteria provided, single submitter. Criteria: Invitae Variant Classification Sherloc (09022015). Collection method: clinical testing. Allele origin: germline.
Comment: This sequence change replaces alanine, which is neutral and non-polar, with glycine, which is neutral and non-polar, at codon 212 of the ACADS protein (p.Ala212Gly). This variant is not present in population databases (gnomAD no frequency). This variant has not been reported in the literature in individuals affected with ACADS-related conditions. Invitae Evidence Modeling of protein sequence and biophysical properties (such as structural, functional, and spatial information, amino acid conservation, physicochemical variation, residue mobility, and thermodynamic stability) indicates that this missense variant is expected to disrupt ACADS protein function with a positive predictive value of 95%. In summary, the available evidence is currently insufficient to determine the role of this variant in disease. Therefore, it has been classified as a Variant of Uncertain Significance.

NM_000017.4(ACADS):c.635C>G (p.Ala212Gly)

Gene: ACADS (acyl-CoA dehydrogenase short chain; plus strand). Cytogenetic location: 12q24.31.
Variant type: single nucleotide variant.
Coding change: c.635C>G on transcript NM_000017.4 (MANE Select); coding-DNA position 635, C replaced by G.
Protein change: p.Ala212Gly; replaces alanine 212 with glycine.
Molecular consequence: missense variant.
Genome position (GRCh38, 1-based): chr12:120,738,290, C>G. VCF-style: chr12-120738290-C-G. GRCh37 (hg19) VCF-style: chr12-121176093-C-G.
Other names: c.623C>G, p.Ala208Gly (NM_001302554.2); short protein forms A208G, A212G.
Identifiers: ClinVar variation 4773297 (VCV004773297.1).
Genomic context (GRCh38, chr12:120,738,290, plus strand): 5'-GGGTGTGGCTGAGGGGCAGCTCTGAGAAAACCACCCGCCTCTCCTTTCAGGGCATCAGTG[C>G]CTTCCTGGTCCCCATGCCAACGCCTGGGCTCACGTTGGGGAAGAAAGAAGACAAGCTGGG-3'
Protein context (NP_000008.1, residues 202-222): DRALQNKGIS[Ala212Gly]FLVPMPTPGL